The following is an entry in ClinVar:

NM_031448.6(C19orf12):c.171_181del (p.Gly58fs)

Gene: C19orf12 (chromosome 19 open reading frame 12; minus strand). Cytogenetic location: 19q12.
Variant type: Deletion.
Coding change: c.171_181del on transcript NM_031448.6 (MANE Select); coding-DNA positions 171 to 181, 11 bases deleted (CGGGGGGCTGT).
Protein change: p.Gly58fs; shifts the reading frame from glycine 58.
Molecular consequence: frameshift variant. On other transcripts: 5 prime UTR variant (3).
Genome position (GRCh38, 1-based): chr19:29,702,957-29,702,967, ACAGCCCCCCG deleted on the plus strand (CGGGGGGCTGT on the coding strand, the reverse complement: C19orf12 is on the minus strand); deleting any 11 consecutive bases within chr19:29,702,957-29,702,977 gives the same sequence; the c. name uses the placement nearest the transcript's 3' end. VCF-style (leftmost placement, unchanged base first): chr19-29702956-AACAGCCCCCCG-A. GRCh37 (hg19) VCF-style: chr19-30193863-AACAGCCCCCCG-A.
Other names: C19ORF12, 11-BP DEL, NT204; c.204_214del11 (NM_001031726.3); c.171_181del, p.Gly58fs (NM_001031726.4, NM_001256046.3, NM_001256047.2); c.-22_-12del (NM_001282929.1, NM_001282930.3, NM_001282931.3); c.171_181del11 (NM_001031726.4); c.171_181del (NM_031448.4); short protein forms G58fs, G69fs.
Identifiers: ClinVar variation 31155 (VCV000031155.56), dbSNP rs515726204, ClinGen allele CA345635.

ClinVar aggregate classification (germline): Pathogenic/Likely pathogenic. Review status: criteria provided, multiple submitters, no conflicts (2 of 4 stars). 15 submissions from 15 submitters: Pathogenic (11); Likely pathogenic (2). 2 of the submissions do not count toward it. Last evaluated 2026-01-19.

Conditions:
C19orf12-related disorder. Also called: C19orf12-related condition.
C19ORF12-related disorders.
Autosomal dominant C19orf12-related disorders.
Hereditary spastic paraplegia 43. Also called: Spastic paraplegia 43, autosomal recessive. Identifiers: Orphanet 320370, MedGen C2680446, MONDO:0014024, OMIM 615043.
Neurodegeneration with brain iron accumulation 4 (NBIA4). Also called: MITOCHONDRIAL PROTEIN-ASSOCIATED NEURODEGENERATION. Identifiers: Orphanet 289560, MedGen C3280371, MONDO:0013674, OMIM 614298. Disease mechanism: loss of function.
Neurodegeneration with brain iron accumulation (NBIA). Identifiers: Orphanet 385, MedGen C2931845, MONDO:0018307.

Submissions 1 to 9 of 15:

Labcorp Genetics (formerly Invitae), Labcorp
Classification: Pathogenic for Hereditary spastic paraplegia 43. Last evaluated: 2026-01-19. Review status: criteria provided, single submitter. Criteria: Invitae Variant Classification Sherloc (09022015). Collection method: clinical testing. Allele origin: germline.
Comment: This sequence change creates a premature translational stop signal (p.Gly69Argfs*10) in the C19orf12 gene. While this is not anticipated to result in nonsense mediated decay, it is expected to disrupt the last 84 amino acid(s) of the C19orf12 protein. This variant is present in population databases (rs515726204, gnomAD 0.02%). This premature translational stop signal has been observed in individuals with autosomal recessive neurodegeneration with brain iron accumulation or mitochondria protein-associated neurodegeneration (PMID: 21981780, 23436634, 28641177, 30392167). It is commonly reported in individuals of Polish ancestry (PMID: 21981780, 23436634, 28641177, 30392167). ClinVar contains an entry for this variant (Variation ID: 31155). For these reasons, this variant has been classified as Pathogenic.

Variantyx, Inc.
Classification: Pathogenic for Autosomal dominant C19orf12-related disorders. Last evaluated: 2025-12-09. Review status: criteria provided, single submitter. Criteria: Variantyx Assertion Criteria 2022. Collection method: clinical testing. Allele origin: germline. Inheritance: Autosomal recessive inheritance.
Comment: This is a frameshift variant in the C19orf12 gene (OMIM: 614297). Pathogenic variants in this gene have been associated with autosomal recessive neurodegeneration with brain iron accumulation 4. This variant introduces a premature termination codon in exon 3 out of 3 and is expected to result in loss of function, which is a known disease mechanism for C19orf12 in this disorder (PMID:31087512) (PVS1). This variant has been reported in the homozygous or compound heterozygous state in several unrelated affected individuals (PMID: 23269600, 30392167, 28641177, 23436634) (PM3_Strong). It has a 0.01617% maximum allele frequency in non-founder control populations (PM2).Based on the current evidence, this variant is classified as pathogenic for autosomal recessive neurodegeneration with brain iron accumulation 4.

CeGaT Center for Human Genetics Tuebingen
Classification: Pathogenic. Last evaluated: 2025-11-01. Review status: criteria provided, single submitter. Criteria: CeGaT Center For Human Genetics Tuebingen Variant Classification Criteria Version 2. Collection method: clinical testing. Allele origin: germline. Affected: yes. Observed: 4 variant alleles.
Comment: C19orf12: PM3:Very Strong, PVS1:Strong, PM2

PreventionGenetics, part of Exact Sciences
Classification: Pathogenic for C19orf12-related condition. Last evaluated: 2025-05-20. Review status: criteria provided, single submitter. Criteria: ACMG Guidelines, 2015. Collection method: clinical testing. Allele origin: germline.
Comment: The C19orf12 c.204_214del11 variant is predicted to result in a frameshift and premature protein termination (p.Gly69Argfs*10). This variant has primarily been reported in the homozygous or compound heterozygous states in individuals with autosomal recessive neurodegeneration with brain iron accumulation (see for example, Table 1, Hartig et al. 2011. PubMed ID: 21981780; Table 1, Schulte et al. 2012. PubMed ID: 23436634; Goldman et al. 2013. PubMed ID: 23494994). In these studies heterozygous carriers were reported as unaffected. However, in a single case it has also been associated with autosomal dominant neurodegeneration with brain iron accumulation (Table 1, Sparber et al. 2021. PubMed ID: 33607528). This variant is reported in 0.02% of alleles in individuals of European (Non-Finnish) descent in gnomAD. This variant has been classified as pathogenic in the ClinVar database. Given the evidence, we interpret this variant as pathogenic in the context of autosomal recessive disease, and as a variant of uncertain significance in the context of autosomal dominant disease.

Revvity Omics, Revvity
Classification: Pathogenic. Last evaluated: 2025-03-06. Review status: criteria provided, single submitter. Criteria: ACMG Guidelines, 2015. Collection method: clinical testing. Allele origin: germline.

Genetic Services Laboratory, University of Chicago
Classification: Likely pathogenic. Last evaluated: 2024-11-14. Review status: criteria provided, single submitter. Criteria: ACMG Guidelines, 2015. Collection method: clinical testing. Allele origin: germline. Affected: yes.
Comment: DNA sequence analysis of the C19ORF12 gene demonstrated an 11 base pair deletion in exon 3, c.204_214del. This sequence change results in an amino acid frameshift and creates a premature stop codon 10 amino acids downstream of the change, p.Gly69Argfs*10. This sequence change is predicted to result in an abnormal transcript, which may be degraded, or may lead to the production of a truncated C19ORF12 protein with potentially abnormal function. This deletion has been previously described in the homozygous or compound heterozygous sate in multiple unrelated individuals with C19ORF12-related neurodegeneration with brain iron accumulation (PMIDs: 21981780, 23436634, 23494994). This sequence change has been described in the gnomAD database with a frequency of 0.02% in the Non-Finnish European subpopulation (dbSNP rs515726204). Taken together, the available evidence indicates that this sequence change is likely pathogenic.

Blueprint Genetics
Classification: Pathogenic for C19ORF12-related disorders. Last evaluated: 2024-11-13. Review status: criteria provided, single submitter. Criteria: ACMG Guidelines, 2015. Collection method: clinical testing. Allele origin: germline. Affected: yes. Observed: 5 variant alleles.

Victorian Clinical Genetics Services, Murdoch Childrens Research Institute
Classification: Pathogenic for Neurodegeneration with brain iron accumulation 4. Last evaluated: 2024-10-09. Review status: criteria provided, single submitter. Criteria: ACMG Guidelines, 2015. Collection method: clinical testing. Allele origin: germline. Inheritance: Autosomal recessive inheritance. Affected: no.
Comment: Based on the classification scheme VCGS_Germline_v1.3.4, this variant is classified as Pathogenic. Following criteria are met: 0102 - Loss of function is a known mechanism of disease in this gene and is associated with neurodegeneration with brain iron accumulation 4 (MIM#614298). A dominant negative mechanism has been suggested to cause autosomal dominant disease (PMID: 31087512). (I) 0108 - This gene is associated with both recessive and dominant disease. Dominant inheritance has been reported for the majority of premature termination variants located in exon 3 (PMID: 31087512). (I) 0204 - Variant is predicted to result in a truncated protein (premature termination codon is NOT located at least 54 nucleotides upstream of the final exon-exon junction) with at least 1/3 of the protein sequence affected. (SP) 0251 - This variant is heterozygous. (I) 0304 - Variant is present in gnomAD (v2) <0.0 (28 heterozygotes, 0 homozygotes). (SP) 0701 - Other truncating variants comparable to the one identified in this case have very strong previous evidence for pathogenicity (DECIPHER). (SP) 0801 - This variant has strong previous evidence of pathogenicity in unrelated individuals. This variant has been classified as pathogenic or likely pathogenic by multiple clinical laboratories in ClinVar. This variant has also been observed in multiple homozygous or compound heterozygous individuals with neurodegeneration with brain iron accumulation (PMID: 21981780). (I) Legend: (SP) - Supporting pathogenic, (I) - Information, (SB) - Supporting benign

Fulgent Genetics
Classification: Pathogenic for Neurodegeneration with brain iron accumulation 4; Hereditary spastic paraplegia 43. Last evaluated: 2024-03-19. Review status: criteria provided, single submitter. Criteria: ACMG Guidelines, 2015. Collection method: clinical testing. Allele origin: germline.